The following is an entry in ClinVar:

ClinVar aggregate classification (germline): Conflicting classifications of pathogenicity. Review status: criteria provided, conflicting classifications (1 of 4 stars). 2 submissions from 2 submitters: Uncertain significance (1); Likely benign (1). Last evaluated 2025-04-24.

Conditions:
Hereditary cancer-predisposing syndrome. Also called: Hereditary Cancer Syndrome; Neoplastic Syndromes, Hereditary; Tumor predisposition; Hereditary neoplastic syndrome. Identifiers: Orphanet 140162, MedGen C0027672, MeSH D009386, MONDO:0015356.
Ataxia-telangiectasia syndrome (AT). Also called: Ataxia-telangiectasia, complementation group D; AT, COMPLEMENTATION GROUP C; ATAXIA-TELANGIECTASIA, COMPLEMENTATION GROUP A; ATAXIA-TELANGIECTASIA, FRESNO VARIANT; Ataxia-telangiectasia; LOUIS-BAR SYNDROME. Identifiers: Orphanet 100, MedGen C0004135, MONDO:0008840, OMIM 208900.

Allele frequency attached by ClinVar (database versions not stated): gnomAD exomes below 0.00001.
gnomAD v4.1: 1 of 1,613,728 alleles (0.000062%); highest among the groups gnomAD compares: Non-Finnish European, 0.000085%; no homozygotes.

Submissions (2):

Ambry Genetics
Classification: Likely benign for Hereditary cancer-predisposing syndrome. Last evaluated: 2025-04-24. Review status: criteria provided, single submitter. Criteria: Ambry Variant Classification Scheme 2023. Collection method: clinical testing. Allele origin: germline.

Labcorp Genetics (formerly Invitae), Labcorp
Classification: Uncertain significance for Ataxia-telangiectasia syndrome. Last evaluated: 2022-06-27. Review status: criteria provided, single submitter. Criteria: Invitae Variant Classification Sherloc (09022015). Collection method: clinical testing. Allele origin: germline.
Comment: This variant has not been reported in the literature in individuals affected with ATM-related conditions. This sequence change replaces threonine, which is neutral and polar, with serine, which is neutral and polar, at codon 261 of the ATM protein (p.Thr261Ser). This variant is not present in population databases (gnomAD no frequency). ClinVar contains an entry for this variant (Variation ID: 187021). Advanced modeling of protein sequence and biophysical properties (such as structural, functional, and spatial information, amino acid conservation, physicochemical variation, residue mobility, and thermodynamic stability) performed at Invitae indicates that this missense variant is not expected to disrupt ATM protein function. In summary, the available evidence is currently insufficient to determine the role of this variant in disease. Therefore, it has been classified as a Variant of Uncertain Significance.

NM_000051.4(ATM):c.781A>T (p.Thr261Ser)

Gene: ATM (ATM serine/threonine kinase; plus strand). Cytogenetic location: 11q22.3.
Variant type: single nucleotide variant.
Coding change: c.781A>T on transcript NM_000051.4 (MANE Select); coding-DNA position 781, A replaced by T.
Protein change: p.Thr261Ser; replaces threonine 261 with serine.
Molecular consequence: missense variant.
Genome position (GRCh38, 1-based): chr11:108,244,906, A>T. VCF-style: chr11-108244906-A-T. GRCh37 (hg19) VCF-style: chr11-108115633-A-T.
Other names: c.781A>T, p.Thr261Ser (NM_001351834.2); short protein forms T261S.
Identifiers: ClinVar variation 187021 (VCV000187021.15), dbSNP rs786203410, ClinGen allele CA196522.